The following is an entry in ClinVar:

NM_139027.6(ADAMTS13):c.1196C>A (p.Ser399Tyr)

Gene: ADAMTS13 (ADAM metallopeptidase with thrombospondin type 1 motif 13; plus strand). Cytogenetic location: 9q34.2.
Variant type: single nucleotide variant.
Coding change: c.1196C>A on transcript NM_139027.6 (MANE Select); coding-DNA position 1196, C replaced by A.
Protein change: p.Ser399Tyr; replaces serine 399 with tyrosine.
Molecular consequence: missense variant.
Genome position (GRCh38, 1-based): chr9:133,433,481, C>A. VCF-style: chr9-133433481-C-A. GRCh37 (hg19) VCF-style: chr9-136298601-C-A.
Other names: c.1196C>A, p.Ser399Tyr (NM_139025.5); c.1103C>A, p.Ser368Tyr (NM_139026.6); short protein forms S399Y, S368Y.
Identifiers: ClinVar variation 2069905 (VCV002069905.4), dbSNP rs2491163562, ClinGen allele CA375389515.
Genomic context (GRCh38, chr9:133,433,481, plus strand): 5'-CCATAGCAGCAGTGCATGGGCGCTGGTCTAGCTGGGGTCCCCGAAGTCCTTGCTCCCGCT[C>A]CTGCGGAGGAGGTGTGGTCACCAGGAGGCGGCAGTGCAACAACCCCAGGTACCGCAGGGA-3'
Protein context (NP_620596.2, residues 389-409): SWGPRSPCSR[Ser399Tyr]CGGGVVTRRR

ClinVar aggregate classification (germline): Uncertain significance (1 of 4 stars; one submission).

Submission:

Labcorp Genetics (formerly Invitae), Labcorp
Classification: Uncertain significance. Last evaluated: 2023-11-27. Review status: criteria provided, single submitter. Criteria: Invitae Variant Classification Sherloc (09022015). Collection method: clinical testing. Allele origin: germline.
Comment: This sequence change replaces serine, which is neutral and polar, with tyrosine, which is neutral and polar, at codon 399 of the ADAMTS13 protein (p.Ser399Tyr). This variant is not present in population databases (gnomAD no frequency). This variant has not been reported in the literature in individuals affected with ADAMTS13-related conditions. ClinVar contains an entry for this variant (Variation ID: 2069905). Advanced modeling of protein sequence and biophysical properties (such as structural, functional, and spatial information, amino acid conservation, physicochemical variation, residue mobility, and thermodynamic stability) performed at Invitae indicates that this missense variant is expected to disrupt ADAMTS13 protein function with a positive predictive value of 80%. In summary, the available evidence is currently insufficient to determine the role of this variant in disease. Therefore, it has been classified as a Variant of Uncertain Significance.